The following is an entry in ClinVar:

ClinVar aggregate classification (germline): Uncertain significance (1 of 4 stars; one submission).

Conditions:
Joubert syndrome. Also called: Familial aplasia of the vermis; CEREBELLOPARENCHYMAL DISORDER IV; JOUBERT-BOLTSHAUSER SYNDROME. Identifiers: Orphanet 475, MedGen C5979921, MONDO:0018772.
Meckel-Gruber syndrome. Also called: Dysencephalia splachnocystica; DYSENCEPHALIA SPLANCHNOCYSTICA; GRUBER SYNDROME. Identifiers: Orphanet 564, MedGen C0265215, MONDO:0018921.
Nephronophthisis. Also called: Juvenile Nephronophthisis. Identifiers: Orphanet 655, MedGen C0687120, MONDO:0019005, HP:0000090.

Submission:

Labcorp Genetics (formerly Invitae), Labcorp
Classification: Uncertain significance for Joubert syndrome; Meckel-Gruber syndrome; Nephronophthisis. Last evaluated: 2022-06-27. Review status: criteria provided, single submitter. Criteria: Invitae Variant Classification Sherloc (09022015). Collection method: clinical testing. Allele origin: germline.
Comment: Algorithms developed to predict the effect of missense changes on protein structure and function are either unavailable or do not agree on the potential impact of this missense change (SIFT: "Deleterious"; PolyPhen-2: "Probably Damaging"; Align-GVGD: "Class C0"). This sequence change replaces valine, which is neutral and non-polar, with phenylalanine, which is neutral and non-polar, at codon 306 of the CEP290 protein (p.Val306Phe). This variant is not present in population databases (gnomAD no frequency). This variant has not been reported in the literature in individuals affected with CEP290-related conditions. ClinVar contains an entry for this variant (Variation ID: 1039160). In summary, the available evidence is currently insufficient to determine the role of this variant in disease. Therefore, it has been classified as a Variant of Uncertain Significance.

NM_025114.4(CEP290):c.916G>T (p.Val306Phe)

Gene: CEP290 (centrosomal protein 290; minus strand). Cytogenetic location: 12q21.32.
Variant type: single nucleotide variant.
Coding change: c.916G>T on transcript NM_025114.4 (MANE Select); coding-DNA position 916, G replaced by T.
Protein change: p.Val306Phe; replaces valine 306 with phenylalanine.
Molecular consequence: missense variant.
Genome position (GRCh38, 1-based): chr12:88,128,972, C>A on the plus strand (G>T on the coding strand, the complement: CEP290 is on the minus strand). VCF-style: chr12-88128972-C-A. GRCh37 (hg19) VCF-style: chr12-88522749-C-A.
Other names: short protein forms V306F.
Identifiers: ClinVar variation 1039160 (VCV001039160.12), dbSNP rs558949569, ClinGen allele CA385983737.